The following is an entry in ClinVar:

ClinVar aggregate classification (germline): Uncertain significance (1 of 4 stars; one submission).

Conditions:
Methylcobalamin deficiency type cblG (HMAG). Also called: HOMOCYSTINURIA-MEGALOBLASTIC ANEMIA, cblG COMPLEMENTATION TYPE; HOMOCYSTINURIA-MEGALOBLASTIC ANEMIA, cblG TYPE; HOMOCYSTINURIA-MEGALOBLASTIC ANEMIA DUE TO DEFECT IN COBALAMIN METABOLISM, cblG COMPLEMENTATION TYPE; Functional methionine synthase deficiency type cblG. Identifiers: Orphanet 2170, Orphanet 622, MedGen C1855128, MONDO:0009609, OMIM 250940.

Allele frequency attached by ClinVar (database versions not stated): gnomAD 0.00006; TOPMed 0.00007; ESP Exome Variant Server 0.00015.
gnomAD v4.1: 106 of 1,613,952 alleles (0.0066%); highest among the groups gnomAD compares: Middle Eastern, 0.016%; no homozygotes.

Submission:

Labcorp Genetics (formerly Invitae), Labcorp
Classification: Uncertain significance for Methylcobalamin deficiency type cblG. Last evaluated: 2022-03-11. Review status: criteria provided, single submitter. Criteria: Invitae Variant Classification Sherloc (09022015). Collection method: clinical testing. Allele origin: germline.
Comment: This sequence change replaces arginine, which is basic and polar, with tryptophan, which is neutral and slightly polar, at codon 19 of the MTR protein (p.Arg19Trp). This variant is present in population databases (rs376681897, gnomAD 0.01%). This variant has not been reported in the literature in individuals affected with MTR-related conditions. Algorithms developed to predict the effect of missense changes on protein structure and function output the following: SIFT: "Tolerated"; PolyPhen-2: "Benign"; Align-GVGD: "Class C0". The tryptophan amino acid residue is found in multiple mammalian species, which suggests that this missense change does not adversely affect protein function. In summary, the available evidence is currently insufficient to determine the role of this variant in disease. Therefore, it has been classified as a Variant of Uncertain Significance.

NM_000254.3(MTR):c.55C>T (p.Arg19Trp)

Gene: MTR (5-methyltetrahydrofolate-homocysteine methyltransferase; plus strand). Cytogenetic location: 1q43.
Variant type: single nucleotide variant.
Coding change: c.55C>T on transcript NM_000254.3 (MANE Select); coding-DNA position 55, C replaced by T.
Protein change: p.Arg19Trp; replaces arginine 19 with tryptophan.
Molecular consequence: missense variant. On other transcripts: 5 prime UTR variant (1).
Genome position (GRCh38, 1-based): chr1:236,803,448, C>T. VCF-style: chr1-236803448-C-T. GRCh37 (hg19) VCF-style: chr1-236966748-C-T.
Other names: c.-1054C>T (NM_001291940.2); c.55C>T, p.Arg19Trp (NM_001291939.1); short protein forms R19W.
Identifiers: ClinVar variation 1355331 (VCV001355331.5), dbSNP rs376681897, ClinGen allele CA1473625.